The following is an entry in ClinVar:

NM_020719.3(PRR12):c.785C>G (p.Ser262Cys)

Gene: PRR12 (proline rich 12; plus strand). Cytogenetic location: 19q13.33.
Variant type: single nucleotide variant.
Coding change: c.785C>G on transcript NM_020719.3 (MANE Select); coding-DNA position 785, C replaced by G.
Protein change: p.Ser262Cys; replaces serine 262 with cysteine.
Molecular consequence: missense variant.
Genome position (GRCh38, 1-based): chr19:49,595,120, C>G. VCF-style: chr19-49595120-C-G. GRCh37 (hg19) VCF-style: chr19-50098377-C-G.
Other names: short protein forms S262C.
Identifiers: ClinVar variation 1693386 (VCV001693386.2), dbSNP rs2122287709, ClinGen allele CA406857240.

ClinVar aggregate classification (germline): Uncertain significance (1 of 4 stars; one submission).

Submission:

GeneDx
Classification: Uncertain significance. Last evaluated: 2022-01-03. Review status: criteria provided, single submitter. Criteria: GeneDx Variant Classification Process June 2021. Collection method: clinical testing. Allele origin: germline. Affected: yes.
Comment: Not observed at significant frequency in large population cohorts (gnomAD); In silico analysis supports that this missense variant does not alter protein structure/function; Has not been previously published as pathogenic or benign to our knowledge